The following is an entry in ClinVar:

NM_001953.5(TYMP):c.520_521delinsTATAAGAGAC (p.Gln174fs)

Gene: TYMP (thymidine phosphorylase; minus strand). Cytogenetic location: 22q13.33.
Variant type: Indel.
Coding change: c.520_521delinsTATAAGAGAC on transcript NM_001953.5 (MANE Select); coding-DNA positions 520 to 521, CA replaced by TATAAGAGAC.
Protein change: p.Gln174fs; shifts the reading frame from glutamine 174.
Molecular consequence: frameshift variant.
Genome position (GRCh38, 1-based): chr22:50,527,713-50,527,714, TG replaced by GTCTCTTATA on the plus strand (CA replaced by TATAAGAGAC on the coding strand, the reverse complement: TYMP is on the minus strand). VCF-style: chr22-50527713-TG-GTCTCTTATA. GRCh37 (hg19) VCF-style: chr22-50966142-TG-GTCTCTTATA.
Other names: c.520_521delinsTATAAGAGAC, p.Gln174fs (NM_001113755.3, NM_001113756.3, NM_001257988.1 and 1 more transcripts); short protein forms Q174fs.
Identifiers: ClinVar variation 5011053 (VCV005011053.1).

ClinVar aggregate classification (germline): Pathogenic (1 of 4 stars; one submission).

Conditions:
Mitochondrial DNA depletion syndrome 1. Also called: POLIP SYNDROME; POLYNEUROPATHY, OPHTHALMOPLEGIA, LEUKOENCEPHALOPATHY, AND INTESTINAL PSEUDOOBSTRUCTION; Mitochondrial Neurogastrointestinal Encephalopathy Disease; MITOCHONDRIAL NEUROGASTROINTESTINAL ENCEPHALOPATHY SYNDROME, TYMP-RELATED; MNGIE, TYMP-RELATED; Mitochondrial neurogastrointestinal encephalomyopathy syndrome. Identifiers: Orphanet 298, MedGen C4551995, MONDO:0011283, OMIM 603041.

Submission:

Myriad Genetics, Inc.
Classification: Pathogenic for Mitochondrial DNA depletion syndrome 1. Last evaluated: 2026-03-19. Review status: criteria provided, single submitter. Criteria: Myriad Autosomal Dominant, Autosomal Recessive and X-Linked Classification Criteria (2023). Collection method: clinical testing. Allele origin: unknown.
Comment: NM_001953.4(TYMP):c.520_521del2ins10(Q174Yfs*34) is expected to be pathogenic in the context of mitochondrial neurogastrointestinal encephalopathy disease. This variant is predicted to lead to an abnormal or absent protein product due to the creation of a premature termination codon in TYMP, a gene where loss-of-function variants are known to be pathogenic. Please note: this variant was assessed in the context of healthy population screening.